The following is an entry in ClinVar:

ClinVar aggregate classification (germline): Likely pathogenic. Review status: criteria provided, multiple submitters, no conflicts (2 of 4 stars). 2 submissions from 2 submitters: Likely pathogenic (2). Last evaluated 2025-07-25.

Conditions:
Citrin deficiency. Identifiers: Orphanet 247582, MedGen C1997910, MONDO:0016602.
Citrullinemia. Identifiers: Orphanet 187, MedGen C0175683, MONDO:0015991.

Submissions (2):

Natera, Inc.
Classification: Likely pathogenic for Citrullinemia. Last evaluated: 2025-07-25. Review status: criteria provided, single submitter. Criteria: Natera Variant Classification Schema (03/2026). Collection method: clinical testing. Allele origin: germline.
Comment: The c.1452+1G>A variant in SLC25A13 is a canonical splice donor site variant predicted to affect pre-mRNA splicing, which may result in an abnormal transcript and altered protein product. This variant is expected to result in nonsense mediated decay, truncation, or a dysfunctional protein product. This variant is rare in the general population with a frequency below the threshold expected for the associated phenotype(s). Given the available evidence, this variant is classified as Likely Pathogenic.

Labcorp Genetics (formerly Invitae), Labcorp
Classification: Likely pathogenic for Citrin deficiency. Last evaluated: 2021-05-13. Review status: criteria provided, single submitter. Criteria: Invitae Variant Classification Sherloc (09022015). Collection method: clinical testing. Allele origin: germline.
Comment: In summary, the currently available evidence indicates that the variant is pathogenic, but additional data are needed to prove that conclusively. Therefore, this variant has been classified as Likely Pathogenic. Algorithms developed to predict the effect of sequence changes on RNA splicing suggest that this variant may disrupt the consensus splice site, but this prediction has not been confirmed by published transcriptional studies. This variant has been observed in individual(s) with clinical features of SLC25A13-related conditions (PMID: 27405544). This variant is not present in population databases (ExAC no frequency). This sequence change affects a donor splice site in intron 14 of the SLC25A13 gene. It is expected to disrupt RNA splicing. Variants that disrupt the donor or acceptor splice site typically lead to a loss of protein function (PMID: 16199547), and loss-of-function variants in SLC25A13 are known to be pathogenic (PMID: 10369257, 14680984, 27405544).

Literature cited by the submitters: PubMed 27405544 (cited by Labcorp Genetics (formerly Invitae), Labcorp); PubMed 16199547 (cited by Labcorp Genetics (formerly Invitae), Labcorp); PubMed 10369257 (cited by Labcorp Genetics (formerly Invitae), Labcorp); PubMed 14680984 (cited by Labcorp Genetics (formerly Invitae), Labcorp).

NM_014251.3(SLC25A13):c.1452+1G>A

Gene: SLC25A13 (solute carrier family 25 member 13; minus strand). Cytogenetic location: 7q21.3.
Variant type: single nucleotide variant.
Coding change: c.1452+1G>A on transcript NM_014251.3 (MANE Select); the canonical splice donor site of the intron after coding-DNA position 1452, G replaced by A.
Molecular consequence: splice donor variant.
Genome position (GRCh38, 1-based): chr7:96,146,555, C>T on the plus strand (G>A on the coding strand, the complement: SLC25A13 is on the minus strand). VCF-style: chr7-96146555-C-T. GRCh37 (hg19) VCF-style: chr7-95775867-C-T.
Other names: c.1455+1G>A (NM_001160210.2); c.1452+1G>A (NM_014251.2).
Identifiers: ClinVar variation 1490199 (VCV001490199.9), dbSNP rs2116481274, ClinGen allele CA368255907.